The following is an entry in ClinVar:

ClinVar aggregate classification (germline): Pathogenic/Likely pathogenic. Review status: criteria provided, multiple submitters, no conflicts (2 of 4 stars). 4 submissions from 4 submitters: Pathogenic (3); Likely pathogenic (1). Last evaluated 2025-08-21.

Conditions:
FYCO1-related disorders.
Cataract 18 (CATC2). Also called: CATARACT 18, AUTOSOMAL RECESSIVE. Identifiers: Orphanet 91492, Orphanet 98991, Orphanet 98992, Orphanet 98995, MedGen C1864908, MONDO:0012395, OMIM 610019.

Submissions (4):

First Genomix Gene Laboratory, Genetic Diagnostics Department
Classification: Likely pathogenic for Cataract 18. Last evaluated: 2025-08-21. Review status: criteria provided, single submitter. Criteria: ACMG Guidelines, 2015. Collection method: clinical testing. Allele origin: germline. Inheritance: Autosomal recessive inheritance. Affected: no. Observed: 1 variant allele.

Blueprint Genetics
Classification: Pathogenic for FYCO1-related disorders. Last evaluated: 2024-11-25. Review status: criteria provided, single submitter. Criteria: ACMG Guidelines, 2015. Collection method: clinical testing. Allele origin: germline. Affected: yes. Observed: 5 variant alleles.

CeGaT Center for Human Genetics Tuebingen
Classification: Pathogenic. Last evaluated: 2024-10-01. Review status: criteria provided, single submitter. Criteria: CeGaT Center For Human Genetics Tuebingen Variant Classification Criteria Version 2. Collection method: clinical testing. Allele origin: germline. Affected: yes. Observed: 7 variant alleles.
Comment: FYCO1: PVS1, PM3:Strong, PM2

HudsonAlpha Institute for Biotechnology
Classification: Pathogenic for Cataract 18. Last evaluated: 2015-10-09. Review status: criteria provided, single submitter. Criteria: HA_assertions_20150911. Collection method: research. Allele origin: maternal. Affected: yes. Observed: 1 variant allele. Study: CSER-HudsonAlpha.

NM_024513.4(FYCO1):c.3327_3328del (p.Cys1110fs)

Gene: FYCO1 (FYVE and coiled-coil domain autophagy adaptor 1; minus strand). Cytogenetic location: 3p21.31.
Variant type: Microsatellite.
Coding change: c.3327_3328del on transcript NM_024513.4 (MANE Select); coding-DNA positions 3327 to 3328, 2 bases deleted (CT; older notation c.3327_3328delCT).
Protein change: p.Cys1110fs; shifts the reading frame from cysteine 1110.
Molecular consequence: frameshift variant. On other transcripts: non-coding transcript variant (1).
Genome position (GRCh38, 1-based): chr3:45,962,334-45,962,335, AG deleted on the plus strand (CT on the coding strand, the reverse complement: FYCO1 is on the minus strand); deleting any 2 consecutive bases within chr3:45,962,334-45,962,337 gives the same sequence; the c. name uses the placement nearest the transcript's 3' end. VCF-style (leftmost placement, unchanged base first): chr3-45962333-CAG-C. GRCh37 (hg19) VCF-style: chr3-46003825-CAG-C.
Other names: c.3327_3328del, p.Cys1110fs (NM_001386421.1, NM_001386422.1, NM_001386423.1 and 4 more transcripts); c.3207_3208del, p.Cys1070fs (NM_001386426.1); c.3183_3184del, p.Cys1062fs (NM_001386427.1); c.2727_2728del, p.Cys910fs (NM_001386430.1); c.3327_3328delCT (NM_024513.4); short protein forms C1110fs, C1062fs, C1070fs, C910fs.
Identifiers: ClinVar variation 430962 (VCV000430962.30), dbSNP rs747093432, ClinGen allele CA2352813.
Genomic context (GRCh38, chr3:45,962,333, plus strand): 5'-AGGTCATCCAGGTCAGCAAGCATCTTCTGGTCATTCCTCTCACGATTTGTCACCTCCTGG[CAG>C]AGTTTGTTGTAATACTCTTGGATTTTTGTTGTGGCTTTTTCGAGTTCCTTCTGGGTCCTG-3'